The following is an entry in ClinVar:

NM_001367624.2(ZNF469):c.2983C>T (p.Arg995Trp)

Gene: ZNF469 (zinc finger protein 469; plus strand). Cytogenetic location: 16q24.2.
Variant type: single nucleotide variant.
Coding change: c.2983C>T on transcript NM_001367624.2 (MANE Select); coding-DNA position 2983, C replaced by T.
Protein change: p.Arg995Trp; replaces arginine 995 with tryptophan.
Molecular consequence: missense variant.
Genome position (GRCh38, 1-based): chr16:88,430,453, C>T. VCF-style: chr16-88430453-C-T. GRCh37 (hg19) VCF-style: chr16-88496861-C-T.
Other names: NM_001127464.1:c.2983C>T; short protein forms R995W.
Identifiers: ClinVar variation 1798419 (VCV001798419.4), dbSNP rs1403155681, ClinGen allele CA397076560.

ClinVar aggregate classification (germline): Uncertain significance. Review status: criteria provided, multiple submitters, no conflicts (2 of 4 stars). 2 submissions from 2 submitters: Uncertain significance (2). Last evaluated 2022-07-29.

Conditions:
Cardiovascular phenotype. Identifiers: MedGen CN230736.

Allele frequency attached by ClinVar (database versions not stated): gnomAD exomes below 0.00001; gnomAD 0.00003; 1000 Genomes Project 30x 0.00031.
gnomAD v4.1: 8 of 1,493,718 alleles (0.00054%); highest among the groups gnomAD compares: Admixed American, 0.0087%; no homozygotes.

Submissions (2):

Labcorp Genetics (formerly Invitae), Labcorp
Classification: Uncertain significance. Last evaluated: 2022-07-29. Review status: criteria provided, single submitter. Criteria: Invitae Variant Classification Sherloc (09022015). Collection method: clinical testing. Allele origin: germline.
Comment: This sequence change replaces arginine, which is basic and polar, with tryptophan, which is neutral and slightly polar, at codon 995 of the ZNF469 protein (p.Arg995Trp). The frequency data for this variant in the population databases is considered unreliable, as metrics indicate poor data quality at this position in the gnomAD database. This variant has not been reported in the literature in individuals affected with ZNF469-related conditions. Algorithms developed to predict the effect of missense changes on protein structure and function are either unavailable or do not agree on the potential impact of this missense change (SIFT: "Deleterious"; PolyPhen-2: "Probably Damaging"; Align-GVGD: "Class C0"). In summary, the available evidence is currently insufficient to determine the role of this variant in disease. Therefore, it has been classified as a Variant of Uncertain Significance.

Ambry Genetics
Classification: Uncertain significance for Cardiovascular phenotype. Last evaluated: 2021-12-23. Review status: criteria provided, single submitter. Criteria: Ambry Variant Classification Scheme 2023. Collection method: clinical testing. Allele origin: germline.
Comment: The p.R995W variant (also known as c.2983C>T), located in coding exon 1 of the ZNF469 gene, results from a C to T substitution at nucleotide position 2983. The arginine at codon 995 is replaced by tryptophan, an amino acid with dissimilar properties. This amino acid position is conserved. In addition, this alteration is predicted to be tolerated by in silico analysis. Since supporting evidence is limited at this time, the clinical significance of this alteration remains unclear.